The following is an entry in ClinVar:

NM_002016.2(FLG):c.5757_5760del (p.Ser1919fs)

Genes: CCDST (cervical cancer associated DHX9 suppressive transcript; plus strand), FLG (filaggrin; minus strand). Cytogenetic location: 1q21.3.
Variant type: Deletion.
Coding change: c.5757_5760del on transcript NM_002016.2 (MANE Select); coding-DNA positions 5757 to 5760, 4 bases deleted (CCAG; older notation c.5757_5760delCCAG).
Protein change: p.Ser1919fs; shifts the reading frame from serine 1919.
Molecular consequence: frameshift variant.
Genome position (GRCh38, 1-based): chr1:152,309,126-152,309,129, CTGG deleted on the plus strand (CCAG on the coding strand, the reverse complement: FLG is on the minus strand); deleting any 4 consecutive bases within chr1:152,309,126-152,309,131 gives the same sequence; the c. name uses the placement nearest the transcript's 3' end. VCF-style (leftmost placement, unchanged base first): chr1-152309125-CCTGG-C. GRCh37 (hg19) VCF-style: chr1-152281601-CCTGG-C.
Other names: c.5755_5758delAGCC, p.Ser1919Argfs (NM_002016.1); short protein forms S1919fs.
Identifiers: ClinVar variation 4072435 (VCV004072435.1).

ClinVar aggregate classification (germline): Pathogenic (1 of 4 stars; one submission).

Submission:

GeneDx
Classification: Pathogenic. Last evaluated: 2025-01-29. Review status: criteria provided, single submitter. Criteria: GeneDx Variant Classification Process June 2021. Collection method: clinical testing. Allele origin: germline. Affected: yes.
Comment: Reported in individuals with atopic dermatitis, ichthyosis vulgaris, and/or symmetrical acral keratoderma in published literature (PMID: 36716921, 21039602); Frameshift variant predicted to result in abnormal protein length as the last 2143 amino acids are replaced with 174 different amino acids, and other similar variants have been reported in HGMD; Not observed at significant frequency in large population cohorts (gnomAD); This variant is associated with the following publications: (PMID: 16444271, 23744309, 21039602, 36716921)